The following is an entry in ClinVar:

NM_000313.4(PROS1):c.236A>T (p.Asp79Val)

Gene: PROS1 (protein S; minus strand). Cytogenetic location: 3q11.1.
Variant type: single nucleotide variant.
Coding change: c.236A>T on transcript NM_000313.4 (MANE Select); coding-DNA position 236, A replaced by T.
Protein change: p.Asp79Val; replaces aspartic acid 79 with valine.
Molecular consequence: missense variant.
Genome position (GRCh38, 1-based): chr3:93,924,263, T>A on the plus strand (A>T on the coding strand, the complement: PROS1 is on the minus strand). VCF-style: chr3-93924263-T-A. GRCh37 (hg19) VCF-style: chr3-93643107-T-A.
Other names: c.332A>T, p.Asp111Val (NM_001314077.2); short protein forms D79V, D111V.
Identifiers: ClinVar variation 4739449 (VCV004739449.1).
Genomic context (GRCh38, chr3:93,924,263, plus strand): 5'-TTTCTAAGATTATATAATTGAGATGTTTTGAACTTACCTAAGTATTTTGGATAAAAATAA[T>A]CCTAGAAAGAAGAAAAAGAAAACATATCTTAGCAAACCTAAATTTCATTATAGAGTTAAA-3'
Protein context (NP_000304.2, residues 69-89): REVFENDPET[Asp79Val]YFYPKYLVCL

ClinVar aggregate classification (germline): Uncertain significance (1 of 4 stars; one submission).

Conditions:
Thrombophilia due to protein S deficiency, autosomal recessive (THPH6). Identifiers: Orphanet 743, MedGen C3281092, MONDO:0013791, OMIM 614514. Disease mechanism: loss of function.

gnomAD v4.1: 11 of 1,285,884 alleles (0.00086%); highest among the groups gnomAD compares: Admixed American, 0.023%; no homozygotes.

Submission:

Labcorp Genetics (formerly Invitae), Labcorp
Classification: Uncertain significance for Thrombophilia due to protein S deficiency, autosomal recessive. Last evaluated: 2025-10-06. Review status: criteria provided, single submitter. Criteria: Invitae Variant Classification Sherloc (09022015). Collection method: clinical testing. Allele origin: germline.
Comment: This sequence change replaces aspartic acid, which is acidic and polar, with valine, which is neutral and non-polar, at codon 79 of the PROS1 protein (p.Asp79Val). This variant is present in population databases (rs770400563, gnomAD 0.02%). This variant has not been reported in the literature in individuals affected with PROS1-related conditions. An algorithm developed to predict the effect of missense changes on protein structure and function (PolyPhen-2) suggests that this variant is likely to be disruptive. In summary, the available evidence is currently insufficient to determine the role of this variant in disease. Therefore, it has been classified as a Variant of Uncertain Significance.